The following is an entry in ClinVar:

ClinVar aggregate classification (germline): VUS-mid (1 of 4 stars; one submission).

Conditions:
DEGCAGS syndrome. Also called: DEVELOPMENTAL DELAY WITH GASTROINTESTINAL, CARDIOVASCULAR, GENITOURINARY, AND SKELETAL ABNORMALITIES. Identifiers: MedGen C5561967, MONDO:0859181, OMIM 619488.

Submission:

Laboratory of Regulatory and Functional Genomics, IRCCS Casa Sollievo Della Sofferenza
Classification: VUS-mid for DEGCAGS syndrome. Last evaluated: 2026-06-10. Review status: criteria provided, single submitter. Criteria: ACMG Guidelines, 2015. Collection method: clinical testing. Allele origin: biparental. Inheritance: Autosomal recessive inheritance. Affected: yes. Observed: 1 variant allele, 1 homozygote.
Comment: It has been classified as a VUS according to ACMG/AMP guidelines (criteria PM2 + PP4). The variant, which results in the aminoacid change p.Asn51Lys, is located within the protein's KRAB domain—a region involved in transcriptional repression. To date, pathogenic variants have been found near of this domain, rather than within it. Preliminary analysis of the protein structure indicates that the asparagine residue at position 51 facilitates an hydrogen bond with another alpha-helix within this domain. Substitution with lysine prevents this bond and likely destabilizes the KRAB domain. The CADD (Combined Annotation Dependent Depletion) score for this variant is 19.95, suggesting deleterious effects, with an Average AlphaMissense Pathogenicity score of 0.948 calculated by a machine learning model that predicts the impact of missense variants on protein structure.

NM_198535.3(ZNF699):c.153C>A (p.Asn51Lys)

Gene: ZNF699 (zinc finger protein 699; minus strand). Cytogenetic location: 19p13.2.
Variant type: single nucleotide variant.
Coding change: c.153C>A on transcript NM_198535.3 (MANE Select); coding-DNA position 153, C replaced by A.
Protein change: p.Asn51Lys; replaces asparagine 51 with lysine.
Molecular consequence: missense variant.
Genome position (GRCh38, 1-based): chr19:9,302,400, G>T on the plus strand (C>A on the coding strand, the complement: ZNF699 is on the minus strand). VCF-style: chr19-9302400-G-T. GRCh37 (hg19) VCF-style: chr19-9413076-G-T.
Other names: short protein forms N51K.
Identifiers: ClinVar variation 4856996 (VCV004856996.1).
Genomic context (GRCh38, chr19:9,302,400, plus strand): 5'-TTCTAAACAACTACATGAAAGAATCTTGCCATTCTTACCTAGTGAGGCCAGGTTCTGGAA[G>T]TTTTCCAGCATCACATCTCTGTAGAGGTTTCTCTGAGCAAGATCCAGCAAAGCCCATTCC-3'
Protein context (NP_940937.1, residues 41-61): RNLYRDVMLE[Asn51Lys]FQNLASLGYP